The following is an entry in ClinVar:

NM_080425.4(GNAS):c.1591C>T (p.Pro531Ser)

Gene: GNAS (GNAS complex locus; plus strand). Cytogenetic location: 20q13.32.
Variant type: single nucleotide variant.
Coding change: c.1591C>T on transcript NM_080425.4 (MANE Plus Clinical); coding-DNA position 1591, C replaced by T.
Protein change: p.Pro531Ser; replaces proline 531 with serine.
Molecular consequence: missense variant. On other transcripts: genic upstream transcript variant (1), synonymous variant (2), intron variant (3).
Genome position (GRCh38, 1-based): chr20:58,854,856, C>T. VCF-style: chr20-58854856-C-T. GRCh37 (hg19) VCF-style: chr20-57429911-C-T.
Other names: NM_080425.4(GNAS):c.1591C>T; p.Pro531Ser; c.-36871C>T (NM_000516.7); c.1404C>T, p.Pro468= (NM_001077490.3, NM_001309883.1); c.1591C>T, p.Pro531Ser (NM_001410913.1); c.*42+13970C>T (NM_016592.5); c.43+13970C>T (NM_001410912.1); c.-39+12981C>T (NM_001309861.2); and 1 more; short protein forms P531S.
Identifiers: ClinVar variation 2355015 (VCV002355015.12), dbSNP rs761504648, ClinGen allele CA9926721.

ClinVar aggregate classification (germline): Uncertain significance. Review status: criteria provided, multiple submitters, no conflicts (2 of 4 stars). 5 submissions from 5 submitters: Uncertain significance (5). Last evaluated 2026-02-24.

Conditions:
Duane retraction syndrome. Also called: Duane anomaly; Duane Syndrome; Duane's syndrome; RETRACTION SYNDROME. Identifiers: Orphanet 233, MedGen C0013261, MONDO:0007473, HP:0009921.
GNAS-related disorder. Identifiers: MedGen CN380105.
Inborn genetic diseases. Identifiers: MedGen C0950123, MeSH D030342.

Allele frequency attached by ClinVar (database versions not stated): ExAC 0.00002; gnomAD 0.00003; TOPMed 0.00003; gnomAD exomes 0.00006.

Submissions (5):

Women's Health and Genetics/Laboratory Corporation of America, LabCorp
Classification: Uncertain significance. Last evaluated: 2026-02-24. Review status: criteria provided, single submitter. Criteria: LabCorp Variant Classification Summary - May 2015. Collection method: clinical testing. Allele origin: germline.
Comment: Variant summary: GNAS c.-36871C>T is located in the untranscribed region upstream of the GNAS gene region. The variant allele was found at a frequency of 2.3e-05 in 213848 control chromosomes. The available data on variant occurrences in the general population are insufficient to allow any conclusion about variant significance. c.-36871C>T (c.1591C>T, p.Pro531Ser in NM_080425.4) has been observed in one individual affected with Duane retraction syndrome (Jurgens_2024). The report does not provide unequivocal conclusions about association of the variant with GNAS-Related Disorders. To our knowledge, no experimental evidence demonstrating an impact on protein function has been reported. The following publication have been ascertained in the context of this evaluation (PMID: 38585811). ClinVar contains an entry for this variant (Variation ID: 2355015). Based on the evidence outlined above, the variant was classified as uncertain significance.

PreventionGenetics, part of Exact Sciences
Classification: Uncertain significance for GNAS-related condition. Last evaluated: 2026-01-02. Review status: criteria provided, single submitter. Criteria: ACMG Guidelines, 2015. Collection method: clinical testing. Allele origin: germline.
Comment: The GNAS c.1591C>T variant is predicted to result in the amino acid substitution p.Pro531Ser. To our knowledge, this variant has not been reported in the literature. This variant is reported in 0.0052% of alleles in individuals of European (Non-Finnish) descent in gnomAD. At this time, the clinical significance of this variant is uncertain due to the absence of conclusive functional and genetic evidence.

CeGaT Center for Human Genetics Tuebingen
Classification: Uncertain significance. Last evaluated: 2025-03-01. Review status: criteria provided, single submitter. Criteria: CeGaT Center For Human Genetics Tuebingen Variant Classification Criteria Version 2. Collection method: clinical testing. Allele origin: germline. Affected: yes. Observed: 1 variant allele.

Broad Center for Mendelian Genomics, Broad Institute of MIT and Harvard
Classification: Uncertain significance for Duane retraction syndrome. Last evaluated: 2024-02-27. Review status: criteria provided, single submitter. Criteria: ACMG Guidelines, 2015. Collection method: curation. Allele origin: germline. Inheritance: Autosomal dominant inheritance.
Comment: While this gene has a strong gene-disease association with pseudohypoparathyroidism and McCune-Albright syndrome, it is lacking sufficient evidence to establish a gene-disease relationship for DRS. We believe this is a possible novel gene candidate for DRS. Given the limited information about this gene-disease relationship, the significance of the p.Pro531Ser variant is uncertain. If you have any additional information about functional evidence or other individuals with this phenotype that also have variants in GNAS we encourage you to reach out to the Engle Lab.

Ambry Genetics
Classification: Uncertain significance for Inborn genetic diseases. Last evaluated: 2021-11-15. Review status: criteria provided, single submitter. Criteria: Ambry Variant Classification Scheme 2023. Collection method: clinical testing. Allele origin: germline.

Literature cited by the submitters: PubMed 38585811 (cited by Women's Health and Genetics/Laboratory Corporation of America, LabCorp).